The following is an entry in ClinVar:

NM_183357.3(ADCY5):c.1847G>A (p.Gly616Glu)

Gene: ADCY5 (adenylate cyclase 5; minus strand). Cytogenetic location: 3q21.1.
Variant type: single nucleotide variant.
Coding change: c.1847G>A on transcript NM_183357.3 (MANE Select); coding-DNA position 1847, G replaced by A.
Protein change: p.Gly616Glu; replaces glycine 616 with glutamic acid.
Molecular consequence: missense variant.
Genome position (GRCh38, 1-based): chr3:123,327,718, C>T on the plus strand (G>A on the coding strand, the complement: ADCY5 is on the minus strand). VCF-style: chr3-123327718-C-T. GRCh37 (hg19) VCF-style: chr3-123046565-C-T.
Other names: c.797G>A, p.Gly266Glu (NM_001199642.1); c.1847G>A, p.Gly616Glu (NM_001378259.1); short protein forms G266E, G616E.
Identifiers: ClinVar variation 5037045 (VCV005037045.1).

ClinVar aggregate classification (germline): Uncertain significance (1 of 4 stars; one submission).

Submission:

GeneDx
Classification: Uncertain significance. Last evaluated: 2026-04-13. Review status: criteria provided, single submitter. Criteria: GeneDx Variant Classification Process June 2021. Collection method: clinical testing. Allele origin: germline.
Comment: Not observed at significant frequency in large population cohorts (gnomAD); In silico analysis supports that this missense variant has a deleterious effect on protein structure/function; Has not been previously published as pathogenic or benign to our knowledge